The following is an entry in ClinVar:

ClinVar aggregate classification (germline): Uncertain significance (1 of 4 stars; one submission).

Allele frequency attached by ClinVar (database versions not stated): TOPMed 0.00001; gnomAD 0.00003; 1000 Genomes Project 0.00020; 1000 Genomes Project 30x 0.00031.
gnomAD v4.1: 10 of 1,609,410 alleles (0.00062%); highest among the groups gnomAD compares: Admixed American, 0.0034%; no homozygotes.

Submission:

Labcorp Genetics (formerly Invitae), Labcorp
Classification: Uncertain significance. Last evaluated: 2023-07-03. Review status: criteria provided, single submitter. Criteria: Invitae Variant Classification Sherloc (09022015). Collection method: clinical testing. Allele origin: germline.
Comment: In summary, the available evidence is currently insufficient to determine the role of this variant in disease. Therefore, it has been classified as a Variant of Uncertain Significance. Advanced modeling of protein sequence and biophysical properties (such as structural, functional, and spatial information, amino acid conservation, physicochemical variation, residue mobility, and thermodynamic stability) performed at Invitae indicates that this missense variant is expected to disrupt TBXA2R protein function. This variant has not been reported in the literature in individuals affected with TBXA2R-related conditions. The frequency data for this variant in the population databases is considered unreliable, as metrics indicate poor data quality at this position in the gnomAD database. This sequence change replaces arginine, which is basic and polar, with tryptophan, which is neutral and slightly polar, at codon 317 of the TBXA2R protein (p.Arg317Trp).

NM_001060.6(TBXA2R):c.949C>T (p.Arg317Trp)

Gene: TBXA2R (thromboxane A2 receptor; minus strand). Cytogenetic location: 19p13.3.
Variant type: single nucleotide variant.
Coding change: c.949C>T on transcript NM_001060.6 (MANE Select); coding-DNA position 949, C replaced by T.
Protein change: p.Arg317Trp; replaces arginine 317 with tryptophan.
Molecular consequence: missense variant.
Genome position (GRCh38, 1-based): chr19:3,595,771, G>A on the plus strand (C>T on the coding strand, the complement: TBXA2R is on the minus strand). VCF-style: chr19-3595771-G-A. GRCh37 (hg19) VCF-style: chr19-3595769-G-A.
Other names: c.949C>T, p.Arg317Trp (NM_201636.3); short protein forms R317W.
Identifiers: ClinVar variation 2967035 (VCV002967035.3), dbSNP rs372686968, ClinGen allele CA9080735.